The following is an entry in ClinVar:

NM_015378.4(VPS13D):c.12823T>G (p.Tyr4275Asp)

Gene: VPS13D (vacuolar protein sorting 13 homolog D; plus strand). Cytogenetic location: 1p36.21.
Variant type: single nucleotide variant.
Coding change: c.12823T>G on transcript NM_015378.4 (MANE Select); coding-DNA position 12823, T replaced by G.
Protein change: p.Tyr4275Asp; replaces tyrosine 4275 with aspartic acid.
Molecular consequence: missense variant.
Genome position (GRCh38, 1-based): chr1:12,506,881, T>G. VCF-style: chr1-12506881-T-G. GRCh37 (hg19) VCF-style: chr1-12566935-T-G.
Other names: c.12748T>G, p.Tyr4250Asp (NM_018156.4); short protein forms Y4250D, Y4275D.
Identifiers: ClinVar variation 2836469 (VCV002836469.3), dbSNP rs2522315323, ClinGen allele CA338495815.

ClinVar aggregate classification (germline): Uncertain significance (1 of 4 stars; one submission).

Submission:

Labcorp Genetics (formerly Invitae), Labcorp
Classification: Uncertain significance. Last evaluated: 2023-02-11. Review status: criteria provided, single submitter. Criteria: Invitae Variant Classification Sherloc (09022015). Collection method: clinical testing. Allele origin: germline.
Comment: This sequence change replaces tyrosine, which is neutral and polar, with aspartic acid, which is acidic and polar, at codon 4275 of the VPS13D protein (p.Tyr4275Asp). This variant is not present in population databases (gnomAD no frequency). This variant has not been reported in the literature in individuals affected with VPS13D-related conditions. Advanced modeling of protein sequence and biophysical properties (such as structural, functional, and spatial information, amino acid conservation, physicochemical variation, residue mobility, and thermodynamic stability) performed at Invitae indicates that this missense variant is expected to disrupt VPS13D protein function. In summary, the available evidence is currently insufficient to determine the role of this variant in disease. Therefore, it has been classified as a Variant of Uncertain Significance.